The following is an entry in ClinVar:

ClinVar aggregate classification (germline): Uncertain significance (0 of 4 stars; one submission).

Submission:

Martin Pollak Laboratory,  Beth Israel Deaconess Medical Center
Classification: Uncertain significance. Review status: no assertion criteria provided. Collection method: not provided. Allele origin: unknown.
Comment: Lower and higher UCa2+ groups
ClinVar note: Converted during submission from unknown to Uncertain significance.

NM_032387.5(WNK4):c.546T>A (p.Arg182=)

Gene: WNK4 (WNK lysine deficient protein kinase 4; plus strand). Cytogenetic location: 17q21.2.
Variant type: single nucleotide variant.
Coding change: c.546T>A on transcript NM_032387.5 (MANE Select); coding-DNA position 546, T replaced by A.
Protein change: p.Arg182=; no amino-acid change (arginine 182 retained).
Molecular consequence: synonymous variant. On other transcripts: 5 prime UTR variant (1).
Genome position (GRCh38, 1-based): chr17:42,781,244, T>A. VCF-style: chr17-42781244-T-A. GRCh37 (hg19) VCF-style: chr17-40933262-T-A.
Other names: c.-374T>A (NM_001321299.2).
Identifiers: ClinVar variation 64603 (VCV000064603.2), dbSNP rs387907563, ClinGen allele CA216492.